The following is an entry in ClinVar:

NM_004958.4(MTOR):c.6573T>G (p.Asp2191Glu)

Gene: MTOR (mechanistic target of rapamycin kinase; minus strand). Cytogenetic location: 1p36.22.
Variant type: single nucleotide variant.
Coding change: c.6573T>G on transcript NM_004958.4 (MANE Select); coding-DNA position 6573, T replaced by G.
Protein change: p.Asp2191Glu; replaces aspartic acid 2191 with glutamic acid.
Molecular consequence: missense variant.
Genome position (GRCh38, 1-based): chr1:11,124,587, A>C on the plus strand (T>G on the coding strand, the complement: MTOR is on the minus strand). VCF-style: chr1-11124587-A-C. GRCh37 (hg19) VCF-style: chr1-11184644-A-C.
Other names: c.6573T>G, p.Asp2191Glu (NM_001386500.1); c.5325T>G, p.Asp1775Glu (NM_001386501.1); short protein forms D1775E, D2191E.
Identifiers: ClinVar variation 4799826 (VCV004799826.1).
Genomic context (GRCh38, chr1:11,124,587, plus strand): 5'-ATTGGCCAGAAGGGTGTTAACCAGGCCGAAGAGCTGCATCACACGCTCATCCTGGCGCAG[A>C]TCTTCATGGCCTTTTAGAAGGAAAACAAACTCATGTCCGTTGCTGCCTGTAAGGAACAGT-3'
Protein context (NP_004949.1, residues 2181-2201): EFVFLLKGHE[Asp2191Glu]LRQDERVMQL

ClinVar aggregate classification (germline): Uncertain significance (1 of 4 stars; one submission).

Submission:

Labcorp Genetics (formerly Invitae), Labcorp
Classification: Uncertain significance. Last evaluated: 2025-08-25. Review status: criteria provided, single submitter. Criteria: Invitae Variant Classification Sherloc (09022015). Collection method: clinical testing. Allele origin: germline.
Comment: This sequence change replaces aspartic acid, which is acidic and polar, with glutamic acid, which is acidic and polar, at codon 2191 of the MTOR protein (p.Asp2191Glu). This variant is not present in population databases (gnomAD no frequency). This variant has not been reported in the literature in individuals affected with MTOR-related conditions. Invitae Evidence Modeling of protein sequence and biophysical properties (such as structural, functional, and spatial information, amino acid conservation, physicochemical variation, residue mobility, and thermodynamic stability) has been performed for this missense variant. However, the output from this modeling did not meet the statistical confidence thresholds required to predict the impact of this variant on MTOR protein function. In summary, the available evidence is currently insufficient to determine the role of this variant in disease. Therefore, it has been classified as a Variant of Uncertain Significance.